The following is an entry in ClinVar:

ClinVar aggregate classification (germline): Uncertain significance. Review status: criteria provided, multiple submitters, no conflicts (2 of 4 stars). 6 submissions from 6 submitters: Uncertain significance (5). 1 of the submissions does not count toward it. Last evaluated 2025-12-15.

Conditions:
Glycogen storage disease, type II (IOPD). Also called: POMPE DISEASE, INFANTILE-ONSET; GLYCOGEN STORAGE DISEASE II, INFANTILE-ONSET; ACID ALPHA-GLUCOSIDASE DEFICIENCY, INFANTILE-ONSET; GAA DEFICIENCY, INFANTILE-ONSET; ACID MALTASE DEFICIENCY, INFANTILE-ONSET; CARDIOMEGALIA GLYCOGENICA DIFFUSA. Identifiers: Orphanet 365, MedGen C0017921, MONDO:0009290, OMIM 232300.

Allele frequency attached by ClinVar (database versions not stated): gnomAD exomes below 0.00001; gnomAD 0.00002; TOPMed 0.00003.

Submissions (6):

Myriad Genetics, Inc.
Classification: Uncertain significance for Glycogen storage disease, type II. Last evaluated: 2025-12-15. Review status: criteria provided, single submitter. Criteria: Myriad Autosomal Dominant, Autosomal Recessive and X-Linked Classification Criteria (2023). Collection method: clinical testing. Allele origin: unknown.
Comment: NM_000152.3(GAA):c.370C>G(Q124E) is a missense variant classified as a variant of uncertain significance in the context of Pompe disease. Q124E has not been observed in cases with relevant disease. Relevant functional assessments of this variant are not available in the literature. Q124E has been observed in referenced population frequency databases. In summary, there is insufficient evidence to classify NM_000152.3(GAA):c.370C>G(Q124E) as pathogenic or benign. Please note: this variant was assessed in the context of healthy population screening.

Labcorp Genetics (formerly Invitae), Labcorp
Classification: Uncertain significance for Glycogen storage disease, type II. Last evaluated: 2024-10-29. Review status: criteria provided, single submitter. Criteria: Invitae Variant Classification Sherloc (09022015). Collection method: clinical testing. Allele origin: germline.
Comment: This sequence change replaces glutamine, which is neutral and polar, with glutamic acid, which is acidic and polar, at codon 124 of the GAA protein (p.Gln124Glu). This variant is present in population databases (no rsID available, gnomAD 0.007%). This variant has not been reported in the literature in individuals affected with GAA-related conditions. ClinVar contains an entry for this variant (Variation ID: 595995). Invitae Evidence Modeling of protein sequence and biophysical properties (such as structural, functional, and spatial information, amino acid conservation, physicochemical variation, residue mobility, and thermodynamic stability) indicates that this missense variant is not expected to disrupt GAA protein function with a negative predictive value of 95%. In summary, the available evidence is currently insufficient to determine the role of this variant in disease. Therefore, it has been classified as a Variant of Uncertain Significance.

Revvity Omics, Revvity
Classification: Uncertain significance. Last evaluated: 2023-09-12. Review status: criteria provided, single submitter. Criteria: ACMG Guidelines, 2015. Collection method: clinical testing. Allele origin: germline.

Genome-Nilou Lab
Classification: Uncertain significance for Glycogen storage disease, type II. Last evaluated: 2021-09-05. Review status: criteria provided, single submitter. Criteria: ACMG Guidelines, 2015. Collection method: clinical testing. Allele origin: germline. Affected: no.

Eurofins Ntd Llc (ga)
Classification: Uncertain significance. Last evaluated: 2018-02-07. Review status: criteria provided, single submitter. Criteria: EGL Classification Definitions 2015. Collection method: clinical testing. Allele origin: germline. Observed: 1 variant allele, 1 heterozygote.

Natera, Inc.
Classification: Uncertain significance for Glycogen storage disease type II. Last evaluated: 2021-03-28. Review status: no assertion criteria provided. Collection method: clinical testing. Allele origin: germline. Not counted in ClinVar's aggregate classification.

NM_000152.5(GAA):c.370C>G (p.Gln124Glu)

Gene: GAA (alpha glucosidase; plus strand). Cytogenetic location: 17q25.3.
Variant type: single nucleotide variant.
Coding change: c.370C>G on transcript NM_000152.5 (MANE Select); coding-DNA position 370, C replaced by G.
Protein change: p.Gln124Glu; replaces glutamine 124 with glutamic acid.
Molecular consequence: missense variant.
Genome position (GRCh38, 1-based): chr17:80,104,956, C>G. VCF-style: chr17-80104956-C-G. GRCh37 (hg19) VCF-style: chr17-78078755-C-G.
Other names: c.370C>G, p.Gln124Glu (NM_001079803.3, NM_001079804.3); short protein forms Q124E.
Identifiers: ClinVar variation 595995 (VCV000595995.19), dbSNP rs1291571294, ClinGen allele CA401360930.